The following is an entry in ClinVar:

NM_001845.6(COL4A1):c.144+5411del

Gene: COL4A1 (collagen type IV alpha 1 chain; minus strand). Cytogenetic location: 13q34.
Variant type: Deletion.
Coding change: c.144+5411del on transcript NM_001845.6 (MANE Select); 5411 bases into the intron after coding-DNA position 144, one base deleted (A; older notation c.144+5411delA).
Molecular consequence: intron variant.
Genome position (GRCh38, 1-based): chr13:110,237,264, T deleted on the plus strand (A on the coding strand, the reverse complement: COL4A1 is on the minus strand). VCF-style (leftmost placement, unchanged base first): chr13-110237263-AT-A. GRCh37 (hg19) VCF-style: chr13-110889610-AT-A.
Other names: c.144+5411del (NM_001303110.2).
Identifiers: ClinVar variation 4874295 (VCV004874295.2).

ClinVar aggregate classification (germline): Likely benign (1 of 4 stars; one submission).

Submission:

CeGaT Center for Human Genetics Tuebingen
Classification: Likely benign. Last evaluated: 2026-06-01. Review status: criteria provided, single submitter. Criteria: CeGaT Center For Human Genetics Tuebingen Variant Classification Criteria Version 2. Collection method: clinical testing. Allele origin: germline. Affected: yes. Observed: 1 variant allele.
Comment: COL4A1: BS1